The following is an entry in ClinVar:

NM_201384.3(PLEC):c.2488C>G (p.Leu830Val)

Gene: PLEC (plectin; minus strand). Cytogenetic location: 8q24.3.
Variant type: single nucleotide variant.
Coding change: c.2488C>G on transcript NM_201384.3 (MANE Select); coding-DNA position 2488, C replaced by G.
Protein change: p.Leu830Val; replaces leucine 830 with valine.
Molecular consequence: missense variant.
Genome position (GRCh38, 1-based): chr8:143,930,268, G>C on the plus strand (C>G on the coding strand, the complement: PLEC is on the minus strand). VCF-style: chr8-143930268-G-C. GRCh37 (hg19) VCF-style: chr8-145004436-G-C.
Other names: c.2569C>G, p.Leu857Val (NM_000445.5, NM_001410941.1); c.2446C>G, p.Leu816Val (NM_201378.4); c.2422C>G, p.Leu808Val (NM_201379.3); c.2899C>G, p.Leu967Val (NM_201380.4); c.2392C>G, p.Leu798Val (NM_201381.3); c.2488C>G, p.Leu830Val (NM_201382.4); c.2500C>G, p.Leu834Val (NM_201383.3); short protein forms L816V, L798V, L808V, L830V, L834V, L857V, L967V.
Identifiers: ClinVar variation 1982227 (VCV001982227.4), dbSNP rs782379140, ClinGen allele CA4927497.

ClinVar aggregate classification (germline): Uncertain significance (1 of 4 stars; one submission).

Conditions:
Epidermolysis bullosa simplex 5B, with muscular dystrophy (EBS5B). Also called: EPIDERMOLYSIS BULLOSA SIMPLEX AND LIMB-GIRDLE MUSCULAR DYSTROPHY; Epidermolysis bullosa simplex with muscular dystrophy. Identifiers: Orphanet 257, MedGen C2931072, MONDO:0009181, OMIM 226670.
Epidermolysis bullosa simplex, Ogna type (EBS5A). Also called: EPIDERMOLYSIS BULLOSA SIMPLEX 5A, OGNA TYPE; Pidermolysis bullosa simplex 5A, Ogna type. Identifiers: Orphanet 79401, MedGen C0432317, MONDO:0007555, OMIM 131950.
Epidermolysis bullosa simplex 5C, with pyloric atresia (EBS5C). Also called: PLEC-Related Epidermolysis Bullosa with Pyloric Atresia; Epidermolysis bullosa simplex with pyloric atresia; PLEC1-Related Epidermolysis Bullosa with Pyloric Atresia. Identifiers: Orphanet 158684, MedGen C2677349, MONDO:0012807, OMIM 612138.
Autosomal recessive limb-girdle muscular dystrophy type 2Q (LGMDR17). Also called: MUSCULAR DYSTROPHY, LIMB-GIRDLE, AUTOSOMAL RECESSIVE 17. Identifiers: Orphanet 254361, MedGen C3150989, MONDO:0013390, OMIM 613723.
Epidermolysis bullosa simplex with nail dystrophy (EBS5D). Identifiers: MedGen C4225309, MONDO:0014661, OMIM 616487.

Allele frequency attached by ClinVar (database versions not stated): gnomAD exomes 0.00001; ExAC 0.00003.
gnomAD v4.1: 3 of 1,602,654 alleles (0.00019%); highest among the groups gnomAD compares: Admixed American, 0.005%; no homozygotes.

Submission:

Labcorp Genetics (formerly Invitae), Labcorp
Classification: Uncertain significance for Autosomal recessive limb-girdle muscular dystrophy type 2Q; Epidermolysis bullosa simplex, Ogna type; Epidermolysis bullosa simplex with nail dystrophy; Epidermolysis bullosa simplex 5C, with pyloric atresia; Epidermolysis bullosa simplex 5B, with muscular dystrophy. Last evaluated: 2024-04-04. Review status: criteria provided, single submitter. Criteria: Invitae Variant Classification Sherloc (09022015). Collection method: clinical testing. Allele origin: germline.
Comment: This sequence change replaces leucine, which is neutral and non-polar, with valine, which is neutral and non-polar, at codon 857 of the PLEC protein (p.Leu857Val). This variant is present in population databases (rs782379140, gnomAD 0.009%). This variant has not been reported in the literature in individuals affected with PLEC-related conditions. ClinVar contains an entry for this variant (Variation ID: 1982227). Advanced modeling of protein sequence and biophysical properties (such as structural, functional, and spatial information, amino acid conservation, physicochemical variation, residue mobility, and thermodynamic stability) performed at Invitae indicates that this missense variant is not expected to disrupt PLEC protein function with a negative predictive value of 80%. In summary, the available evidence is currently insufficient to determine the role of this variant in disease. Therefore, it has been classified as a Variant of Uncertain Significance.